The following is an entry in ClinVar:

NM_001457.4(FLNB):c.3008C>T (p.Thr1003Met)

Gene: FLNB (filamin B; plus strand). Cytogenetic location: 3p14.3.
Variant type: single nucleotide variant.
Coding change: c.3008C>T on transcript NM_001457.4 (MANE Select); coding-DNA position 3008, C replaced by T.
Protein change: p.Thr1003Met; replaces threonine 1003 with methionine.
Molecular consequence: missense variant.
Genome position (GRCh38, 1-based): chr3:58,121,385, C>T. VCF-style: chr3-58121385-C-T. GRCh37 (hg19) VCF-style: chr3-58107112-C-T.
Other names: c.3008C>T, p.Thr1003Met (NM_001164317.2, NM_001164318.2, NM_001164319.2); short protein forms T1003M.
Identifiers: ClinVar variation 1702417 (VCV001702417.8), dbSNP rs1178934749, ClinGen allele CA353347657.

ClinVar aggregate classification (germline): Uncertain significance. Review status: criteria provided, multiple submitters, no conflicts (2 of 4 stars). 2 submissions from 2 submitters: Uncertain significance (2). Last evaluated 2022-06-17.

Conditions:
Connective tissue disorder. Also called: Connective tissue disease. Identifiers: MedGen C0009782, MONDO:0003900.

gnomAD v4.1: 13 of 1,614,118 alleles (0.00081%); highest among the groups gnomAD compares: East Asian, 0.0067%; no homozygotes.

Submissions (2):

Labcorp Genetics (formerly Invitae), Labcorp
Classification: Uncertain significance. Last evaluated: 2022-06-17. Review status: criteria provided, single submitter. Criteria: Invitae Variant Classification Sherloc (09022015). Collection method: clinical testing. Allele origin: germline.
Comment: This sequence change replaces threonine, which is neutral and polar, with methionine, which is neutral and non-polar, at codon 1003 of the FLNB protein (p.Thr1003Met). This variant is not present in population databases (gnomAD no frequency). This variant has not been reported in the literature in individuals affected with FLNB-related conditions. Advanced modeling of protein sequence and biophysical properties (such as structural, functional, and spatial information, amino acid conservation, physicochemical variation, residue mobility, and thermodynamic stability) performed at Invitae indicates that this missense variant is not expected to disrupt FLNB protein function. In summary, the available evidence is currently insufficient to determine the role of this variant in disease. Therefore, it has been classified as a Variant of Uncertain Significance.

Genome Diagnostics Laboratory, The Hospital for Sick Children
Classification: Uncertain significance for Connective tissue disorder. Last evaluated: 2019-05-01. Review status: criteria provided, single submitter. Criteria: ACMG Guidelines, 2015. Collection method: clinical testing. Allele origin: germline.